The following is an entry in ClinVar:

ClinVar aggregate classification (germline): Uncertain significance (1 of 4 stars; one submission).

Conditions:
Epilepsy, familial focal, with variable foci 3 (FFEVF3). Identifiers: MedGen C4310708, MONDO:0014925, OMIM 617118.

Submission:

Labcorp Genetics (formerly Invitae), Labcorp
Classification: Uncertain significance for Epilepsy, familial focal, with variable foci 3. Last evaluated: 2019-12-24. Review status: criteria provided, single submitter. Criteria: Invitae Variant Classification Sherloc (09022015). Collection method: clinical testing. Allele origin: germline.
Comment: This variant is not present in population databases (ExAC no frequency). This sequence change replaces proline with serine at codon 187 of the NPRL3 protein (p.Pro187Ser). The proline residue is moderately conserved and there is a moderate physicochemical difference between proline and serine. This variant has not been reported in the literature in individuals with NPRL3-related conditions. In summary, the available evidence is currently insufficient to determine the role of this variant in disease. Therefore, it has been classified as a Variant of Uncertain Significance. Experimental studies and prediction algorithms are not available or were not evaluated, and the functional significance of this variant is currently unknown.

NM_001077350.3(NPRL3):c.559C>T (p.Pro187Ser)

Genes: HBA-LCR (alpha-globin locus control region; plus strand), NPRL3 (NPR3 like, GATOR1 complex subunit; minus strand). Cytogenetic location: 16p13.3.
Variant type: single nucleotide variant.
Coding change: c.559C>T on transcript NM_001077350.3 (MANE Select); coding-DNA position 559, C replaced by T.
Protein change: p.Pro187Ser; replaces proline 187 with serine.
Molecular consequence: missense variant.
Genome position (GRCh38, 1-based): chr16:110,595, G>A on the plus strand (C>T on the coding strand, the complement: NPRL3 is on the minus strand). VCF-style: chr16-110595-G-A. GRCh37 (hg19) VCF-style: chr16-160593-G-A.
Other names: c.22C>T, p.Pro8Ser (NM_001039476.3); c.325C>T, p.Pro109Ser (NM_001243247.2); c.484C>T, p.Pro162Ser (NM_001243248.2, NM_001243249.2); short protein forms P162S, P187S, P8S, P109S.
Identifiers: ClinVar variation 858992 (VCV000858992.8), dbSNP rs1899761608, ClinGen allele CA393992953.